The following is an entry in ClinVar:

NM_000273.3(GPR143):c.323C>T (p.Thr108Met)

Gene: GPR143 (G protein-coupled receptor 143; minus strand). Cytogenetic location: Xp22.2.
Variant type: single nucleotide variant.
Coding change: c.323C>T on transcript NM_000273.3 (MANE Select); coding-DNA position 323, C replaced by T.
Protein change: p.Thr108Met; replaces threonine 108 with methionine.
Molecular consequence: missense variant.
Genome position (GRCh38, 1-based): chrX:9,760,754, G>A on the plus strand (C>T on the coding strand, the complement: GPR143 is on the minus strand). VCF-style: chrX-9760754-G-A. GRCh37 (hg19) VCF-style: chrX-9728794-G-A.
Other names: short protein forms T108M.
Identifiers: ClinVar variation 1345691 (VCV001345691.6), dbSNP rs747816338, ClinGen allele CA10345061.

ClinVar aggregate classification (germline): Uncertain significance (1 of 4 stars; one submission).

Allele frequency attached by ClinVar (database versions not stated): TOPMed below 0.00001; gnomAD 0.00001; gnomAD exomes 0.00001; ExAC 0.00002.
gnomAD v4.1: 17 of 1,196,479 alleles (0.0014%); highest among the groups gnomAD compares: East Asian, 0.018%; no homozygotes.

Submission:

Labcorp Genetics (formerly Invitae), Labcorp
Classification: Uncertain significance. Last evaluated: 2025-09-22. Review status: criteria provided, single submitter. Criteria: Invitae Variant Classification Sherloc (09022015). Collection method: clinical testing. Allele origin: germline.
Comment: This sequence change replaces threonine, which is neutral and polar, with methionine, which is neutral and non-polar, at codon 108 of the GPR143 protein (p.Thr108Met). The frequency data for this variant in the population databases is considered unreliable, as metrics indicate poor data quality at this position in the gnomAD database. This variant has not been reported in the literature in individuals affected with GPR143-related conditions. ClinVar contains an entry for this variant (Variation ID: 1345691). Invitae Evidence Modeling of protein sequence and biophysical properties (such as structural, functional, and spatial information, amino acid conservation, physicochemical variation, residue mobility, and thermodynamic stability) has been performed for this missense variant. However, the output from this modeling did not meet the statistical confidence thresholds required to predict the impact of this variant on GPR143 protein function. In summary, the available evidence is currently insufficient to determine the role of this variant in disease. Therefore, it has been classified as a Variant of Uncertain Significance.